The following is an entry in ClinVar:

ClinVar aggregate classification (germline): Uncertain significance (1 of 4 stars; one submission).

Conditions:
Hereditary cancer-predisposing syndrome. Also called: Neoplastic Syndromes, Hereditary; Tumor predisposition; Hereditary Cancer Syndrome; Hereditary neoplastic syndrome. Identifiers: Orphanet 140162, MedGen C0027672, MeSH D009386, MONDO:0015356.

Submission:

Ambry Genetics
Classification: Uncertain significance for Hereditary cancer-predisposing syndrome. Last evaluated: 2026-05-23. Review status: criteria provided, single submitter. Criteria: Ambry Variant Classification Scheme 2023. Collection method: clinical testing. Allele origin: germline.
Comment: The p.P211R variant (also known as c.632C>G), located in coding exon 3 of the SMARCA4 gene, results from a C to G substitution at nucleotide position 632. The proline at codon 211 is replaced by arginine, an amino acid with dissimilar properties. This amino acid position is conserved. In addition, this alteration is predicted to be deleterious by in silico analysis. Based on the available evidence, the clinical significance of this variant remains unclear.

NM_003072.5(SMARCA4):c.632C>G (p.Pro211Arg)

Gene: SMARCA4 (SWI/SNF related BAF chromatin remodeling complex subunit ATPase 4; plus strand). Cytogenetic location: 19p13.2.
Variant type: single nucleotide variant.
Coding change: c.632C>G on transcript NM_003072.5 (MANE Select); coding-DNA position 632, C replaced by G.
Protein change: p.Pro211Arg; replaces proline 211 with arginine.
Molecular consequence: missense variant. On other transcripts: non-coding transcript variant (1).
Genome position (GRCh38, 1-based): chr19:10,986,465, C>G. VCF-style: chr19-10986465-C-G. GRCh37 (hg19) VCF-style: chr19-11097141-C-G.
Other names: c.632C>G, p.Pro211Arg (NM_001411150.1, NM_001128844.3, NM_001128845.2 and 6 more transcripts); short protein forms P211R.
Identifiers: ClinVar variation 4864789 (VCV004864789.1).